The following is an entry in ClinVar:

NM_005458.8(GABBR2):c.181C>T (p.Leu61Phe)

Gene: GABBR2 (gamma-aminobutyric acid type B receptor subunit 2; minus strand). Cytogenetic location: 9q22.33.
Variant type: single nucleotide variant.
Coding change: c.181C>T on transcript NM_005458.8 (MANE Select); coding-DNA position 181, C replaced by T.
Protein change: p.Leu61Phe; replaces leucine 61 with phenylalanine.
Molecular consequence: missense variant.
Genome position (GRCh38, 1-based): chr9:98,708,557, G>A on the plus strand (C>T on the coding strand, the complement: GABBR2 is on the minus strand). VCF-style: chr9-98708557-G-A. GRCh37 (hg19) VCF-style: chr9-101470839-G-A.
Other names: short protein forms L61F.
Identifiers: ClinVar variation 3063851 (VCV003063851.1), dbSNP rs2490288401, ClinGen allele CA374212683.
Genomic context (GRCh38, chr9:98,708,557, plus strand): 5'-CGGCGGGGAGCACACCGCGCCCGATGCTGCCCTTGGCCACCTCCTTGGTGAGCGGCATGA[G>A]GCCCATGATGGAGAGCGGCGGGCTGCTGGGCGGCGGCCGGGGGGCGCCCCGCGCCCAGCC-3'
Protein context (NP_005449.5, residues 51-71): PSSPPLSIMG[Leu61Phe]MPLTKEVAKG

ClinVar aggregate classification (germline): Uncertain significance (1 of 4 stars; one submission).

Allele frequency attached by ClinVar (database versions not stated): gnomAD exomes below 0.00001.
gnomAD v4.1: 6 of 1,571,864 alleles (0.00038%); highest among the groups gnomAD compares: Non-Finnish European, 0.00034%; no homozygotes.

Submission:

Women's Health and Genetics/Laboratory Corporation of America, LabCorp
Classification: Uncertain significance. Last evaluated: 2024-01-11. Review status: criteria provided, single submitter. Criteria: LabCorp Variant Classification Summary - May 2015. Collection method: clinical testing. Allele origin: germline.
Comment: Variant summary: GABBR2 c.181C>T (p.Leu61Phe) results in a non-conservative amino acid change in the encoded protein sequence. Three of five in-silico tools predict a damaging effect of the variant on protein function. The variant was absent in 205106 control chromosomes. The available data on variant occurrences in the general population are insufficient to allow any conclusion about variant significance. To our knowledge, no occurrence of c.181C>T in individuals affected with Early Infantile Epileptic Encephalopathy 59 and no experimental evidence demonstrating its impact on protein function have been reported. No submitters have cited clinical-significance assessments for this variant to ClinVar. Based on the evidence outlined above, the variant was classified as uncertain significance.